The following is an entry in ClinVar:

NM_004318.4(ASPH):c.2181_2183dup (p.Trp728Ter)

Gene: ASPH (aspartate beta-hydroxylase; minus strand). Cytogenetic location: 8q12.3.
Variant type: Duplication.
Coding change: c.2181_2183dup on transcript NM_004318.4 (MANE Select); coding-DNA positions 2181 to 2183, 3 bases duplicated (ATG; older notation c.2181_2183dupATG).
Protein change: p.Trp728Ter; replaces tryptophan 728 with a stop codon.
Molecular consequence: nonsense.
Genome position (GRCh38, 1-based): chr8:61,503,453-61,503,455, CAT duplicated on the plus strand (ATG on the coding strand, the reverse complement: ASPH is on the minus strand). VCF-style (leftmost placement, unchanged base first): chr8-61503452-C-CCAT. GRCh37 (hg19) VCF-style: chr8-62416011-C-CCAT.
Other names: chr8:g.61503453_61503455dup; c.2094_2096dup, p.Trp699Ter (NM_001164750.2); c.2181_2183dup (NM_004318.3); short protein forms W699*, W728*.
Identifiers: ClinVar variation 1184947 (VCV001184947.4), dbSNP rs765610535, ClinGen allele CA4761486.
Genomic context (GRCh38, chr8:61,503,452, plus strand): 5'-TGTCAGTTCCGGATGCCACACATCCACGATGAATATCAGCCGGAAAGATGAGGCATCCTG[C>CCAT]CATACCTCGTGCTCAAAGGAGTCATCAAAGATGAGCACCTTGCCTTCCTCCCAGGTCCTG-3'

ClinVar aggregate classification (germline): Pathogenic/Likely pathogenic. Review status: criteria provided, multiple submitters, no conflicts (2 of 4 stars). 4 submissions from 4 submitters: Pathogenic (3); Likely pathogenic (1). Last evaluated 2024-10-21.

Conditions:
Facial dysmorphism-lens dislocation-anterior segment abnormalities-spontaneous filtering blebs syndrome. Also called: Facial dysmorphism, lens dislocation, anterior segment abnormalities, and spontaneous filtering blebs; TRABOULSI SYNDROME. Identifiers: Orphanet 412022, MedGen C1832167, MONDO:0011106, OMIM 601552.

Allele frequency attached by ClinVar (database versions not stated): TOPMed below 0.00001; ExAC 0.00003; gnomAD exomes 0.00003 and 0.00002.

Submissions (4):

GeneDx
Classification: Pathogenic. Last evaluated: 2024-10-21. Review status: criteria provided, single submitter. Criteria: GeneDx Variant Classification Process June 2021. Collection method: clinical testing. Allele origin: germline. Affected: yes.
Comment: Nonsense variant predicted to result in protein truncation, as the last 31 amino acid(s) are lost, and other loss-of-function variants have been reported downstream in HGMD; This variant is associated with the following publications: (PMID: 34018898, 35918038)

Department of Pathology and Laboratory Medicine, Sinai Health System
Classification: Likely pathogenic for Facial dysmorphism-lens dislocation-anterior segment abnormalities-spontaneous filtering blebs syndrome. Last evaluated: 2023-07-05. Review status: criteria provided, single submitter. Criteria: ACMG Guidelines, 2015. Collection method: research. Allele origin: germline.

Institute of Medical Genetics and Applied Genomics, University Hospital Tübingen
Classification: Pathogenic. Last evaluated: 2021-06-17. Review status: criteria provided, single submitter. Criteria: ACMG Guidelines, 2015. Collection method: clinical testing. Allele origin: germline. Inheritance: Autosomal recessive inheritance. Affected: yes.

Neuberg Centre For Genomic Medicine, NCGM
Classification: Pathogenic for Facial dysmorphism-lens dislocation-anterior segment abnormalities-spontaneous filtering blebs syndrome. Review status: criteria provided, single submitter. Criteria: ACMG Guidelines, 2015. Collection method: clinical testing. Allele origin: germline. Inheritance: Autosomal recessive inheritance. Affected: yes.
Comment: The stop gained c.2181_2183dupp.Val727_Trp728insTer variant has been reported in homozygous state in an individual with Traboulsi syndrome Van Hoorde T, et. al., 2021. The p.Val727_Trp728insTer variant has been reported with allele frequency of 0.002% in gnomAD Exomes and is novel not in any individuals in 1000 Genomes database. This variant has been reported to the ClinVar database as Pathogenic. The insertion of a nucleotide causes amino acid sequence ending at a stop codon at position between amino acids Val727 and Trp728. Loss of function variants have been previously reported to be disease causing. Hence the variant is classified as Pathogenic.